The following is an entry in ClinVar:

NM_016239.4(MYO15A):c.10247CCT[1] (p.Ser3417del)

Gene: MYO15A (myosin XVA; plus strand). Cytogenetic location: 17p11.2.
Variant type: Microsatellite.
Coding change: c.10247CCT[1] on transcript NM_016239.4 (MANE Select); one copy of the 3-base unit CCT starting at c.10247; the reference has two copies in a row; one copy, 3 bases deleted; also written c.10250_10252del.
Protein change: p.Ser3417del; deletes serine 3417.
Molecular consequence: inframe deletion.
Genome position (GRCh38, 1-based): chr17:18,172,190-18,172,192, CCT deleted; deleting any 3 consecutive bases within chr17:18,172,185-18,172,192 gives the same sequence; the position shown is the placement nearest the transcript's 3' end. VCF-style (leftmost placement, unchanged base first): chr17-18172184-GCTC-G. GRCh37 (hg19) VCF-style: chr17-18075498-GCTC-G.
Other names: c.10250_10252delCCT (NM_016239.4, NM_016239.3); c.10250_10252del (NM_016239.4); short protein forms S3417del.
Identifiers: ClinVar variation 869466 (VCV000869466.38), dbSNP rs760069953, ClinGen allele CA8425859.
Genomic context (GRCh38, chr17:18,172,184, plus strand): 5'-AGCACGTAACTGCCACCCCCTCTCCCTGCCCAGGCCTCCTCAGCGCCTTACCTATGTTCG[GCTC>G]CTCCTTCTTCTTCATCCAGAGCTGCAGCAACATTGCTGTGCCAGCCCCTTGCATCCTTGC-3'

ClinVar aggregate classification (germline): Pathogenic/Likely pathogenic. Review status: criteria provided, multiple submitters, no conflicts (2 of 4 stars). 10 submissions from 10 submitters: Pathogenic (7); Likely pathogenic (3). Last evaluated 2025-04-22.

Conditions:
Autosomal recessive nonsyndromic hearing loss 3. Also called: NEUROSENSORY NONSYNDROMIC RECESSIVE DEAFNESS 3. Identifiers: Orphanet 90636, MedGen C1838263, MONDO:0010860, OMIM 600316.
MYO15A-related disorder. Also called: MYO15A-related condition.
Rare genetic deafness. Identifiers: Orphanet 96210, MedGen C5680250.

Submissions (10):

Labcorp Genetics (formerly Invitae), Labcorp
Classification: Pathogenic. Last evaluated: 2025-04-22. Review status: criteria provided, single submitter. Criteria: Invitae Variant Classification Sherloc (09022015). Collection method: clinical testing. Allele origin: germline.
Comment: This variant, c.10250_10252del, results in the deletion of 1 amino acid(s) of the MYO15A protein (p.Ser3417del), but otherwise preserves the integrity of the reading frame. This variant is present in population databases (rs760069953, gnomAD 0.04%). This variant has been observed in individual(s) with deafness (PMID: 25792667, 29482514, 30896630, 34265623, 35346193). In at least one individual the data is consistent with being in trans (on the opposite chromosome) from a pathogenic variant. It has also been observed to segregate with disease in related individuals. This variant is also known as c.10249_10251delTCC (p.F3417del) or c.10245_10247delCTC. ClinVar contains an entry for this variant (Variation ID: 869466). For these reasons, this variant has been classified as Pathogenic.

PreventionGenetics, part of Exact Sciences
Classification: Pathogenic for MYO15A-related condition. Last evaluated: 2025-01-13. Review status: criteria provided, single submitter. Criteria: ACMG Guidelines, 2015. Collection method: clinical testing. Allele origin: germline.
Comment: The MYO15A c.10250_10252delCCT variant is predicted to result in an in-frame deletion (p.Ser3417del). This variant is alternatively referred to as c.10245_10247delCTC or c.10249_10251delTCC p.Phe3417del in the literature. This variant has been reported in a compound heterozygous or homozygous state in multiple individuals with moderate to profound non-syndromic hearing loss (see for example, Miyagawa et al. 2015. PubMed ID: 25792667; Sun et al. 2019. PubMed ID: 30896630; Fu et al. 2022. PubMed ID: 35346193) and has been noted to segregate with the disorder in at least two families (Chang et al. 2018. PubMed ID: 29482514; Liang et al. 2021. PubMed ID: 34265623). This variant is reported in 0.041% of alleles in individuals of East Asian descent in gnomAD. This variant is consistently classified as likely pathogenic/pathogenic in ClinVar. This variant is interpreted as pathogenic.

3billion
Classification: Likely pathogenic for Autosomal recessive nonsyndromic hearing loss 3. Last evaluated: 2024-12-18. Review status: criteria provided, single submitter. Criteria: ACMG Guidelines, 2015. Collection method: clinical testing. Allele origin: germline. Affected: yes.
Comment: The variant is observed at an extremely low frequency in the gnomAD v4.1.0 dataset (total allele frequency: <0.001%). Predicted Consequence/Location: Inframe deletion located in a nonrepeat region: predicted to change the length of the protein and disrupt normal protein function. The variant has been reported at least twice as pathogenic with clinical assertions and evidence for the classification (ClinVar ID: VCV000869466 /PMID: 25792667 /3billion dataset). Therefore, this variant is classified as Likely pathogenic according to the recommendation of ACMG/AMP guideline.

GeneDx
Classification: Likely pathogenic. Last evaluated: 2024-09-25. Review status: criteria provided, single submitter. Criteria: GeneDx Variant Classification Process June 2021. Collection method: clinical testing. Allele origin: germline. Affected: yes.
Comment: In-frame deletion of one amino acid in a non-repeat region; In silico analysis supports a deleterious effect on protein structure/function; This variant is associated with the following publications: (PMID: 25792667, 29482514, 31581539, 31827275, 30896630, 35346193, 34265623, 35853923, 35982127, 36597107, 35939872, 34974475, 32802042, 38297847, 34325055, 38056549, 38860500)

Fulgent Genetics
Classification: Pathogenic for Autosomal recessive nonsyndromic hearing loss 3. Last evaluated: 2024-06-19. Review status: criteria provided, single submitter. Criteria: ACMG Guidelines, 2015. Collection method: clinical testing. Allele origin: germline.

Blueprint Genetics
Classification: Pathogenic for MYO15A-related disorders. Last evaluated: 2024-02-07. Review status: criteria provided, single submitter. Criteria: ACMG Guidelines, 2015. Collection method: clinical testing. Allele origin: germline. Affected: yes. Observed: 3 variant alleles.

Laboratory for Molecular Medicine, Mass General Brigham Personalized Medicine
Classification: Pathogenic for Rare genetic deafness. Last evaluated: 2024-01-10. Review status: criteria provided, single submitter. Criteria: ACMG Guidelines, 2015. Collection method: clinical testing. Allele origin: germline. Inheritance: Autosomal recessive inheritance.
Comment: The p.Ser3417del variant in MYO15A has been reported in >15 compound heterozygous or homozygous individuals with hearing loss and segregated with disease in at least 4 affected individuals from 3 families (Miyagawa 2015 PMID: 25792667, Chang 2018 PMID: 29482514, Sun 2019 PMID: 30896630, Xu 2020 PMID: 32802042, Downie 2020 PMID: 31827275, Liang 2021 PMID: 34265623, Chen 2022 PMID: 34974475, Fu 2022 PMID: 35346193, Kim 2022 PMID: 35853923, Ma 2023 PMID: 36597107). It has also been identified in 0.027% (12/44898) of East Asian chromosomes by gnomAD (v.4.0.0). This variant has also been reported in ClinVar (Variation ID 869466). This variant is a deletion of 1 amino acid at position 3417 and is not predicted to alter the protein reading-frame. In summary, this variant meets criteria to be classified as pathogenic for autosomal recessive hearing loss. ACMG/AMP Criteria applied: PM3_VeryStrong, PP1_Strong, PM4_Supporting.

Victorian Clinical Genetics Services, Murdoch Childrens Research Institute
Classification: Likely pathogenic for Autosomal recessive nonsyndromic hearing loss 3. Last evaluated: 2017-08-22. Review status: criteria provided, single submitter. Criteria: ACMG Guidelines, 2015. Collection method: clinical testing. Allele origin: unknown. Affected: yes.
Comment: A heterozygous in-frame deletion variant was identified in exon 64 of MYO15A, NM_016239.3(MYO15A):c.10250_10252delCCT.This deletionresults in the lossof a serineat codon position 3417, NP_057323.3(MYO15A):p.(Ser3417del). The serine at this position has very high conservation (100 vertebrates, UCSC). It is situated in the FERM domain. This variant is present in the gnomAD population database at a frequency of 0.002%. It has not been previously observed in other clinical cases. Based on current information and in association with the NM_016239.3(MYO15A):c.9371dupA deletion variant, this variant has been classified as LIKELY PATHOGENIC.Parental testingindicates the variants are in trans. The presence of these two variants suggests a possible compound heterozygous mode of inheritance which is consistent with autosomal recessive deafness 3.NB: This variant has been reclassified from Class 3A (VUS with high clinical significance)to Class 4 (likely pathogenic).

Juno Genomics, Hangzhou Juno Genomics, Inc
Classification: Pathogenic for Autosomal recessive nonsyndromic hearing loss 3. Review status: criteria provided, single submitter. Criteria: ACMG Guidelines, 2015. Collection method: clinical testing. Allele origin: germline. Affected: yes.
Comment: Allele frequency is greater than expected for disorder.;For recessive disorders, detected in trans with a pathogenic variant.;Protein length changes due to in-frame deletions/insertions in a non-repeat region or stop-loss variants.;Co-segregation with disease in multiple affected family members.

Molecular Diagnosis Center for Deafness
Classification: Pathogenic for Autosomal recessive nonsyndromic hearing loss 3. Review status: criteria provided, single submitter. Criteria: ClinGen HL ACMG Specifications v1. Collection method: clinical testing. Allele origin: maternal. Observed: 2 variant alleles.

Literature cited by the submitters: PubMed 25792667 (cited by 3 submitters); PubMed 29482514 (cited by Labcorp Genetics (formerly Invitae), Labcorp and Laboratory for Molecular Medicine, Mass General Brigham Personalized Medicine); PubMed 30896630 (cited by Labcorp Genetics (formerly Invitae), Labcorp and Laboratory for Molecular Medicine, Mass General Brigham Personalized Medicine); PubMed 34265623 (cited by Labcorp Genetics (formerly Invitae), Labcorp and Laboratory for Molecular Medicine, Mass General Brigham Personalized Medicine); PubMed 35346193 (cited by Labcorp Genetics (formerly Invitae), Labcorp and Laboratory for Molecular Medicine, Mass General Brigham Personalized Medicine); PubMed 36597107 (cited by Laboratory for Molecular Medicine, Mass General Brigham Personalized Medicine); PubMed 34974475 (cited by Laboratory for Molecular Medicine, Mass General Brigham Personalized Medicine); PubMed 35853923 (cited by Laboratory for Molecular Medicine, Mass General Brigham Personalized Medicine); PubMed 32802042 (cited by Laboratory for Molecular Medicine, Mass General Brigham Personalized Medicine); PubMed 31827275 (cited by Laboratory for Molecular Medicine, Mass General Brigham Personalized Medicine).